The following is an entry in ClinVar:

ClinVar aggregate classification (germline): Uncertain significance (1 of 4 stars; one submission).

Submission:

GeneDx
Classification: Uncertain significance. Last evaluated: 2022-09-02. Review status: criteria provided, single submitter. Criteria: GeneDx Variant Classification Process June 2021. Collection method: clinical testing. Allele origin: germline. Affected: yes.
Comment: Not observed at significant frequency in large population cohorts (gnomAD); In silico analysis supports that this missense variant has a deleterious effect on protein structure/function; Has not been previously published as pathogenic or benign to our knowledge

NM_006766.5(KAT6A):c.1115G>T (p.Ser372Ile)

Gene: KAT6A (lysine acetyltransferase 6A; minus strand). Cytogenetic location: 8p11.21.
Variant type: single nucleotide variant.
Coding change: c.1115G>T on transcript NM_006766.5 (MANE Select); coding-DNA position 1115, G replaced by T.
Protein change: p.Ser372Ile; replaces serine 372 with isoleucine.
Molecular consequence: missense variant.
Genome position (GRCh38, 1-based): chr8:41,977,256, C>A on the plus strand (G>T on the coding strand, the complement: KAT6A is on the minus strand). VCF-style: chr8-41977256-C-A. GRCh37 (hg19) VCF-style: chr8-41834774-C-A.
Other names: c.1115G>T, p.Ser372Ile (NM_001305878.2); short protein forms S372I.
Identifiers: ClinVar variation 2442600 (VCV002442600.1), dbSNP rs1477768680, ClinGen allele CA371076349.